The following is an entry in ClinVar:

NM_001348716.2(KDM6B):c.4297T>C (p.Leu1433=)

Genes: KDM6B (lysine demethylase 6B; plus strand), LOC121587574 (Sharpr-MPRA regulatory region 3930; plus strand). Cytogenetic location: 17p13.1.
Variant type: single nucleotide variant.
Coding change: c.4297T>C on transcript NM_001348716.2 (MANE Select); coding-DNA position 4297, T replaced by C.
Protein change: p.Leu1433=; no amino-acid change (leucine 1433 retained).
Molecular consequence: synonymous variant.
Genome position (GRCh38, 1-based): chr17:7,852,165, T>C. VCF-style: chr17-7852165-T-C. GRCh37 (hg19) VCF-style: chr17-7755483-T-C.
Other names: c.4297T>C, p.Leu1433= (NM_001080424.2).
Identifiers: ClinVar variation 4873832 (VCV004873832.2).

ClinVar aggregate classification (germline): Likely benign (1 of 4 stars; one submission).

Submission:

CeGaT Center for Human Genetics Tuebingen
Classification: Likely benign. Last evaluated: 2026-06-01. Review status: criteria provided, single submitter. Criteria: CeGaT Center For Human Genetics Tuebingen Variant Classification Criteria Version 2. Collection method: clinical testing. Allele origin: germline. Affected: yes. Observed: 1 variant allele.
Comment: KDM6B: PM2:Supporting, BP4, BP7